The following is an entry in ClinVar:

ClinVar aggregate classification (germline): Uncertain significance (1 of 4 stars; one submission).

Allele frequency attached by ClinVar (database versions not stated): gnomAD exomes below 0.00001.
gnomAD v4.1: 1 of 1,613,992 alleles (0.000062%); highest among the groups gnomAD compares: Middle Eastern, 0.016%; no homozygotes.

Submission:

Women's Health and Genetics/Laboratory Corporation of America, LabCorp
Classification: Uncertain significance. Last evaluated: 2024-02-19. Review status: criteria provided, single submitter. Criteria: LabCorp Variant Classification Summary - May 2015. Collection method: clinical testing. Allele origin: germline.
Comment: Variant summary: KIF21A c.2584A>G (p.Thr862Ala) results in a non-conservative amino acid change in the encoded protein sequence. Four of five in-silico tools predict a benign effect of the variant on protein function. The variant allele was found at a frequency of 4e-06 in 251156 control chromosomes (gnomAD). The available data on variant occurrences in the general population are insufficient to allow any conclusion about variant significance. To our knowledge, no occurrence of c.2584A>G in individuals affected with KIF21A-Related Disorders and no experimental evidence demonstrating its impact on protein function have been reported. No submitters have cited clinical-significance assessments for this variant to ClinVar. Based on the evidence outlined above, the variant was classified as uncertain significance.

NM_001173464.2(KIF21A):c.2584A>G (p.Thr862Ala)

Gene: KIF21A (kinesin family member 21A; minus strand). Cytogenetic location: 12q12.
Variant type: single nucleotide variant.
Coding change: c.2584A>G on transcript NM_001173464.2 (MANE Select); coding-DNA position 2584, A replaced by G.
Protein change: p.Thr862Ala; replaces threonine 862 with alanine.
Molecular consequence: missense variant.
Genome position (GRCh38, 1-based): chr12:39,333,011, T>C on the plus strand (A>G on the coding strand, the complement: KIF21A is on the minus strand). VCF-style: chr12-39333011-T-C. GRCh37 (hg19) VCF-style: chr12-39726813-T-C.
Other names: c.2545A>G, p.Thr849Ala (NM_001173463.2, NM_001378441.1, NM_017641.4); c.2476A>G, p.Thr826Ala (NM_001173465.2); c.2584A>G, p.Thr862Ala (NM_001378439.1, NM_001378440.1); short protein forms T826A, T849A, T862A.
Identifiers: ClinVar variation 3068948 (VCV003068948.2), dbSNP rs1200130993, ClinGen allele CA384394843.
Genomic context (GRCh38, chr12:39,333,011, plus strand): 5'-TTTTCTGCTGGGCTCCTGTCCTTGATGCATCTGTTTCGACAGCAGCTGCACTGGAACCTG[T>C]GTCCTGAGCAGGTGCATCAGATGAACTCAGCTTCCGAGTAACTTTCCCAGCCACTTTATC-3'
Protein context (NP_001166935.1, residues 852-872): LSSSDAPAQD[Thr862Ala]GSSAAAVETD